The following is an entry in ClinVar:

ClinVar aggregate classification (germline): Uncertain significance (1 of 4 stars; one submission).

Submission:

Labcorp Genetics (formerly Invitae), Labcorp
Classification: Uncertain significance. Last evaluated: 2022-08-19. Review status: criteria provided, single submitter. Criteria: Invitae Variant Classification Sherloc (09022015). Collection method: clinical testing. Allele origin: germline.
Comment: This variant, c.989_991del, results in the deletion of 1 amino acid(s) of the SIAE protein (p.Lys330del), but otherwise preserves the integrity of the reading frame. This variant is present in population databases (no rsID available, gnomAD 0.02%). This variant has not been reported in the literature in individuals affected with SIAE-related conditions. Experimental studies and prediction algorithms are not available or were not evaluated, and the functional significance of this variant is currently unknown. In summary, the available evidence is currently insufficient to determine the role of this variant in disease. Therefore, it has been classified as a Variant of Uncertain Significance.

NM_170601.5(SIAE):c.986AGA[1] (p.Lys330del)

Gene: SIAE (sialic acid acetylesterase; minus strand). Cytogenetic location: 11q24.2.
Variant type: Microsatellite.
Coding change: c.986AGA[1] on transcript NM_170601.5 (MANE Select); one copy of the 3-base unit AGA starting at c.986; the reference has two copies in a row; one copy, 3 bases deleted.
Protein change: p.Lys330del; deletes lysine 330.
Molecular consequence: inframe deletion.
Genome position (GRCh38, 1-based): chr11:124,639,843-124,639,845, TCT deleted on the plus strand (AGA on the coding strand, the reverse complement: SIAE is on the minus strand); deleting any 3 consecutive bases within chr11:124,639,843-124,639,849 gives the same sequence; the position shown is the placement nearest the transcript's 3' end. VCF-style (leftmost placement, unchanged base first): chr11-124639842-CTCT-C. GRCh37 (hg19) VCF-style: chr11-124509738-CTCT-C.
Other names: c.881AGA[1], p.Lys295del (NM_001199922.2); short protein forms K330del, K295del.
Identifiers: ClinVar variation 1936481 (VCV001936481.5), dbSNP rs1319027514, ClinGen allele CA602582812.